The following is an entry in ClinVar:

NM_007289.4(MME):c.1153C>T (p.Arg385Ter)

Gene: MME (membrane metalloendopeptidase; plus strand). Cytogenetic location: 3q25.2.
Variant type: single nucleotide variant.
Coding change: c.1153C>T on transcript NM_007289.4 (MANE Select); coding-DNA position 1153, C replaced by T.
Protein change: p.Arg385Ter; replaces arginine 385 with a stop codon.
Molecular consequence: nonsense.
Genome position (GRCh38, 1-based): chr3:155,142,295, C>T. VCF-style: chr3-155142295-C-T. GRCh37 (hg19) VCF-style: chr3-154860084-C-T.
Other names: c.1153C>T, p.Arg385Ter (NM_000902.5, NM_001354642.2, NM_001354643.1 and 2 more transcripts); short protein forms R385*.
Identifiers: ClinVar variation 1358707 (VCV001358707.6), dbSNP rs772217958, ClinGen allele CA2675403.

ClinVar aggregate classification (germline): Pathogenic (1 of 4 stars; one submission).

Allele frequency attached by ClinVar (database versions not stated): ExAC 0.00001; gnomAD exomes 0.00001; gnomAD 0.00003; TOPMed 0.00003.
gnomAD v4.1: 12 of 1,613,276 alleles (0.00074%); highest among the groups gnomAD compares: African/African-American, 0.0067%; no homozygotes.

Submission:

Labcorp Genetics (formerly Invitae), Labcorp
Classification: Pathogenic. Last evaluated: 2025-03-11. Review status: criteria provided, single submitter. Criteria: Invitae Variant Classification Sherloc (09022015). Collection method: clinical testing. Allele origin: germline.
Comment: This sequence change creates a premature translational stop signal (p.Arg385*) in the MME gene. It is expected to result in an absent or disrupted protein product. Loss-of-function variants in MME are known to be pathogenic (PMID: 26991897). This variant is present in population databases (rs772217958, gnomAD 0.003%). This variant has not been reported in the literature in individuals affected with MME-related conditions. ClinVar contains an entry for this variant (Variation ID: 1358707). For these reasons, this variant has been classified as Pathogenic.

Literature cited by the submitters: PubMed 26991897.